The following is an entry in ClinVar:

ClinVar aggregate classification (germline): Uncertain significance (1 of 4 stars; one submission).

Conditions:
LRRC45-related disorder. Also called: LRRC45-related condition.

gnomAD v4.1: 14 of 1,612,388 alleles (0.00087%); highest among the groups gnomAD compares: Non-Finnish European, 0.001%; no homozygotes.

Submission:

PreventionGenetics, part of Exact Sciences
Classification: Uncertain significance for LRRC45-related condition. Last evaluated: 2026-06-17. Review status: criteria provided, single submitter. Criteria: ACMG Guidelines, 2015. Collection method: clinical testing. Allele origin: germline.
Comment: The LRRC45 c.1126G>A variant is predicted to result in the amino acid substitution p.Val376Ile. To our knowledge, this variant has not been reported in the literature. This variant is reported in 0.0045% of alleles in individuals of European (Non-Finnish) descent in gnomAD. At this time, the clinical significance of this variant is uncertain due to the absence of conclusive functional and genetic evidence.

NM_144999.4(LRRC45):c.1126G>A (p.Val376Ile)

Gene: LRRC45 (leucine rich repeat containing 45; plus strand). Cytogenetic location: 17q25.3.
Variant type: single nucleotide variant.
Coding change: c.1126G>A on transcript NM_144999.4 (MANE Select); coding-DNA position 1126, G replaced by A.
Protein change: p.Val376Ile; replaces valine 376 with isoleucine.
Molecular consequence: missense variant.
Genome position (GRCh38, 1-based): chr17:82,028,397, G>A. VCF-style: chr17-82028397-G-A. GRCh37 (hg19) VCF-style: chr17-79986273-G-A.
Other names: short protein forms V376I.
Identifiers: ClinVar variation 4980958 (VCV004980958.1).